The following is an entry in ClinVar:

NC_000011.9:g.(?_108156908)_(108160358_?)del

Gene: ATM (ATM serine/threonine kinase; plus strand). Cytogenetic location: 11q22.3.
Variant type: Deletion.
Identifiers: ClinVar variation 2422228 (VCV002422228.3).

ClinVar aggregate classification (germline): Pathogenic (1 of 4 stars; one submission).

Conditions:
Ataxia-telangiectasia syndrome (AT). Also called: Cerebello-oculocutaneous telangiectasia; Immunodeficiency with ataxia telangiectasia; Ataxia-telangiectasia; AT, COMPLEMENTATION GROUP C; Ataxia telangiectasia (A-T); LOUIS-BAR SYNDROME. Identifiers: Orphanet 100, MedGen C0004135, MONDO:0008840, OMIM 208900.

Submission:

Labcorp Genetics (formerly Invitae), Labcorp
Classification: Pathogenic for Ataxia-telangiectasia syndrome. Last evaluated: 2023-12-05. Review status: criteria provided, single submitter. Criteria: Invitae Variant Classification Sherloc (09022015). Collection method: clinical testing. Allele origin: germline.
Comment: This variant results in the deletion of exons 27-28 and part of exon 29 (c.3994-1418_4267del) of the ATM gene. It is expected to disrupt RNA splicing. Variants that disrupt the donor or acceptor splice site typically lead to a loss of protein function (PMID: 16199547), and loss-of-function variants in ATM are known to be pathogenic (PMID: 23807571, 25614872). This variant has been observed in individuals with ataxia-telangiectasia (PMID: 12815592). This variant is also known as IVS28+1711del3450, c.3994-1415_4270del, and a deletion of exons 29-30 and part of exon 31. For these reasons, this variant has been classified as Pathogenic.

Literature cited by the submitters: PubMed 16199547; PubMed 23807571; PubMed 25614872; PubMed 12815592.